The following is an entry in ClinVar:

ClinVar aggregate classification (germline): Likely benign (1 of 4 stars; one submission).

Allele frequency attached by ClinVar (database versions not stated): ExAC 0.00014.

Submission:

CeGaT Center for Human Genetics Tuebingen
Classification: Likely benign. Last evaluated: 2023-08-01. Review status: criteria provided, single submitter. Criteria: CeGaT Center For Human Genetics Tuebingen Variant Classification Criteria Version 2. Collection method: clinical testing. Allele origin: germline. Affected: yes. Observed: 1 variant allele.
Comment: ZNF717: BP4, BP7

NM_001290208.3(ZNF717):c.618G>A (p.Leu206=)

Gene: ZNF717 (zinc finger protein 717; minus strand). Cytogenetic location: 3p12.3.
Variant type: single nucleotide variant.
Coding change: c.618G>A on transcript NM_001290208.3 (MANE Select); coding-DNA position 618, G replaced by A.
Protein change: p.Leu206=; no amino-acid change (leucine 206 retained).
Molecular consequence: synonymous variant. On other transcripts: intron variant (3).
Genome position (GRCh38, 1-based): chr3:75,739,005, C>T on the plus strand (G>A on the coding strand, the complement: ZNF717 is on the minus strand). VCF-style: chr3-75739005-C-T. GRCh37 (hg19) VCF-style: chr3-75788156-C-T.
Other names: c.618G>A, p.Leu206= (NM_001128223.3, NM_001324027.1); c.468G>A, p.Leu156= (NM_001290209.3); c.277+2271G>A (NM_001290210.2, NM_001324026.2); c.256+2271G>A (NM_001324028.1).
Identifiers: ClinVar variation 2653975 (VCV002653975.24), dbSNP rs202056407, ClinGen allele CA2496465.